The following is an entry in ClinVar:

NM_000276.4(OCRL):c.179G>A (p.Ser60Asn)

Gene: OCRL (OCRL inositol polyphosphate-5-phosphatase; plus strand). Cytogenetic location: Xq26.1.
Variant type: single nucleotide variant.
Coding change: c.179G>A on transcript NM_000276.4 (MANE Select); coding-DNA position 179, G replaced by A.
Protein change: p.Ser60Asn; replaces serine 60 with asparagine.
Molecular consequence: missense variant.
Genome position (GRCh38, 1-based): chrX:129,545,017, G>A. VCF-style: chrX-129545017-G-A. GRCh37 (hg19) VCF-style: chrX-128678994-G-A.
Other names: c.182G>A, p.Ser61Asn (NM_001318784.2); c.179G>A, p.Ser60Asn (NM_001587.4); short protein forms S61N, S60N.
Identifiers: ClinVar variation 1997375 (VCV001997375.5), dbSNP rs2521847008, ClinGen allele CA414550608.

ClinVar aggregate classification (germline): Conflicting classifications of pathogenicity. Review status: criteria provided, conflicting classifications (1 of 4 stars). 2 submissions from 2 submitters: Uncertain significance (1); Likely benign (1). Last evaluated 2024-09-20.

Conditions:
Lowe syndrome (OCRL). Also called: LOWE OCULOCEREBRORENAL SYNDROME; PHOSPHATIDYLINOSITOL 4,5-BISPHOSPHATE 5-PHOSPHATASE DEFICIENCY; Oculocerebrorenal Syndrome. Identifiers: Orphanet 534, MedGen C0028860, MONDO:0010645, OMIM 309000.
Dent disease type 2. Identifiers: Orphanet 1652, Orphanet 93623, MedGen C1845167, MONDO:0010359, OMIM 300555.

Submissions (2):

3billion
Classification: Likely benign for Dent disease type 2; Lowe syndrome. Last evaluated: 2024-09-20. Review status: criteria provided, single submitter. Criteria: ACMG Guidelines, 2015. Collection method: clinical testing. Allele origin: germline. Affected: no.
Comment: The hemizygous variant was found in patients diagnosed with another variant in a different gene, with no symptoms related to the gene containing the hemizygous variant.

Labcorp Genetics (formerly Invitae), Labcorp
Classification: Uncertain significance for Lowe syndrome. Last evaluated: 2022-10-14. Review status: criteria provided, single submitter. Criteria: Invitae Variant Classification Sherloc (09022015). Collection method: clinical testing. Allele origin: germline.
Comment: This variant is not present in population databases (gnomAD no frequency). In summary, the available evidence is currently insufficient to determine the role of this variant in disease. Therefore, it has been classified as a Variant of Uncertain Significance. Advanced modeling of protein sequence and biophysical properties (such as structural, functional, and spatial information, amino acid conservation, physicochemical variation, residue mobility, and thermodynamic stability) performed at Invitae indicates that this missense variant is not expected to disrupt OCRL protein function. This variant has not been reported in the literature in individuals affected with OCRL-related conditions. This sequence change replaces serine, which is neutral and polar, with asparagine, which is neutral and polar, at codon 60 of the OCRL protein (p.Ser60Asn).